The following is an entry in ClinVar:

ClinVar aggregate classification (germline): Uncertain significance (1 of 4 stars; one submission).

Conditions:
Rhabdoid tumor predisposition syndrome 2 (RTPS2). Identifiers: Orphanet 231108, Orphanet 69077, MedGen C2750074, MONDO:0013224, OMIM 613325.

Submission:

Labcorp Genetics (formerly Invitae), Labcorp
Classification: Uncertain significance for Rhabdoid tumor predisposition syndrome 2. Last evaluated: 2024-01-04. Review status: criteria provided, single submitter. Criteria: Invitae Variant Classification Sherloc (09022015). Collection method: clinical testing. Allele origin: germline.
Comment: This sequence change replaces glycine, which is neutral and non-polar, with arginine, which is basic and polar, at codon 287 of the SMARCA4 protein (p.Gly287Arg). This variant also falls at the last nucleotide of exon 5, which is part of the consensus splice site for this exon. This variant is not present in population databases (gnomAD no frequency). This variant has not been reported in the literature in individuals affected with SMARCA4-related conditions. An algorithm developed to predict the effect of missense changes on protein structure and function (PolyPhen-2) suggests that this variant is likely to be disruptive. Variants that disrupt the consensus splice site are a relatively common cause of aberrant splicing (PMID: 17576681, 9536098). Studies have shown that this missense change is associated with inconclusive levels of altered splicing (Invitae). In summary, the available evidence is currently insufficient to determine the role of this variant in disease. Therefore, it has been classified as a Variant of Uncertain Significance.

Literature cited by the submitters: PubMed 17576681; PubMed 9536098.

NM_003072.5(SMARCA4):c.859G>C (p.Gly287Arg)

Gene: SMARCA4 (SWI/SNF related BAF chromatin remodeling complex subunit ATPase 4; plus strand). Cytogenetic location: 19p13.2.
Variant type: single nucleotide variant.
Coding change: c.859G>C on transcript NM_003072.5 (MANE Select); coding-DNA position 859, G replaced by C.
Protein change: p.Gly287Arg; replaces glycine 287 with arginine.
Molecular consequence: missense variant. On other transcripts: non-coding transcript variant (1).
Genome position (GRCh38, 1-based): chr19:10,987,003, G>C. VCF-style: chr19-10987003-G-C. GRCh37 (hg19) VCF-style: chr19-11097679-G-C.
Other names: c.859G>C, p.Gly287Arg (NM_001128844.3, NM_001128845.2, NM_001128846.2 and 6 more transcripts); short protein forms G287R.
Identifiers: ClinVar variation 2707413 (VCV002707413.3), dbSNP rs2145798354, ClinGen allele CA404058197.